The following is an entry in ClinVar:

ClinVar aggregate classification (germline): Uncertain significance (1 of 4 stars; one submission).

Conditions:
Hereditary cancer-predisposing syndrome. Also called: Neoplastic Syndromes, Hereditary; Tumor predisposition; Hereditary Cancer Syndrome; Hereditary neoplastic syndrome. Identifiers: Orphanet 140162, MedGen C0027672, MeSH D009386, MONDO:0015356.

Submission:

Ambry Genetics
Classification: Uncertain significance for Hereditary cancer-predisposing syndrome. Last evaluated: 2025-10-21. Review status: criteria provided, single submitter. Criteria: Ambry Variant Classification Scheme 2023. Collection method: clinical testing. Allele origin: germline.
Comment: The p.S969F variant (also known as c.2906C>T), located in coding exon 24 of the EGFR gene, results from a C to T substitution at nucleotide position 2906. The serine at codon 969 is replaced by phenylalanine, an amino acid with highly dissimilar properties. This amino acid position is conserved. In addition, this alteration is predicted to be tolerated by in silico analysis. Based on the available evidence, the clinical significance of this variant remains unclear.

NM_005228.5(EGFR):c.2906C>T (p.Ser969Phe)

Gene: EGFR (epidermal growth factor receptor; plus strand). Cytogenetic location: 7p11.2.
Variant type: single nucleotide variant.
Coding change: c.2906C>T on transcript NM_005228.5 (MANE Select); coding-DNA position 2906, C replaced by T.
Protein change: p.Ser969Phe; replaces serine 969 with phenylalanine.
Molecular consequence: missense variant.
Genome position (GRCh38, 1-based): chr7:55,200,373, C>T. VCF-style: chr7-55200373-C-T. GRCh37 (hg19) VCF-style: chr7-55268066-C-T.
Other names: c.2771C>T, p.Ser924Phe (NM_001346897.2, NM_001346899.2); c.2906C>T, p.Ser969Phe (NM_001346898.2); c.2747C>T, p.Ser916Phe (NM_001346900.2); c.2105C>T, p.Ser702Phe (NM_001346941.2); short protein forms S702F, S916F, S924F, S969F.
Identifiers: ClinVar variation 4639022 (VCV004639022.1).